The following is an entry in ClinVar:

ClinVar aggregate classification (germline): Pathogenic (1 of 4 stars; one submission).

Conditions:
Capillary malformation-arteriovenous malformation 1 (CMAVM1). Identifiers: Orphanet 137667, Orphanet 693907, MedGen C4747394, MONDO:0020783, OMIM 608354.

Submission:

Center of Genomic medicine, Geneva, University Hospital of Geneva
Classification: Pathogenic for Capillary malformation-arteriovenous malformation. Last evaluated: 2017-11-27. Review status: criteria provided, single submitter. Criteria: ACMG Guidelines, 2015. Collection method: clinical testing. Allele origin: germline. Affected: yes.

NM_002890.3(RASA1):c.1024dup (p.Glu342fs)

Genes: CCNH (cyclin H; minus strand), RASA1 (RAS p21 protein activator 1; plus strand). Cytogenetic location: 5q14.3.
Variant type: Duplication.
Coding change: c.1024dup on transcript NM_002890.3 (MANE Select); coding-DNA position 1024, one base duplicated (G; older notation c.1024dupG).
Protein change: p.Glu342fs; shifts the reading frame from glutamic acid 342.
Molecular consequence: frameshift variant. On other transcripts: intron variant (1).
Genome position (GRCh38, 1-based): chr5:87,341,296, G duplicated; the last of 3 consecutive G bases (chr5:87,341,294-87,341,296); duplicating any one gives the same sequence. VCF-style (leftmost placement, unchanged base first): chr5-87341293-C-CG. GRCh37 (hg19) VCF-style: chr5-86637110-C-CG.
Other names: c.493dup, p.Glu165fs (NM_022650.3); c.934-28499dup (NM_001364075.2); short protein forms E165fs, E342fs.
Identifiers: ClinVar variation 523621 (VCV000523621.5), dbSNP rs1554045819, ClinGen allele CA658796540.